The following is an entry in ClinVar:

Conditions:
Breast-ovarian cancer, familial, susceptibility to, 1 (BROVCA1). Also called: BRCA1 Hereditary Breast and Ovarian Cancer; OVARIAN CANCER, SUSCEPTIBILITY TO. Identifiers: Orphanet 145, MedGen C2676676, MONDO:0011450, OMIM 604370. Disease mechanism: loss of function.

Allele frequency attached by ClinVar (database versions not stated): gnomAD exomes below 0.00001; TOPMed 0.00001.
gnomAD v4.1: 2 of 1,598,280 alleles (0.00013%); highest among the groups gnomAD compares: East Asian, 0.0022%; no homozygotes.

Submission:

Brotman Baty Institute, University of Washington
No classification provided (evidence only). Condition: Breast-ovarian cancer, familial 1. Review status: no classification provided. Collection method: in vitro. Allele origin: not applicable. Functional consequence: functionally_normal.
ClinVar note: "not provided" was previously submitted as the classification for the variant. However, the classification appeared to be based only on an observation of functional data so it was converted to no classification on 2025-07-30.

NM_007294.4(BRCA1):c.5153-24C>G

Gene: BRCA1 (BRCA1 DNA repair associated; minus strand). Cytogenetic location: 17q21.31.
Variant type: single nucleotide variant.
Coding change: c.5153-24C>G on transcript NM_007294.4 (MANE Select); 24 bases into the intron before coding-DNA position 5153, C replaced by G.
Molecular consequence: intron variant.
Genome position (GRCh38, 1-based): chr17:43,063,397, G>C on the plus strand (C>G on the coding strand, the complement: BRCA1 is on the minus strand). VCF-style: chr17-43063397-G-C. GRCh37 (hg19) VCF-style: chr17-41215414-G-C.
Other names: c.1700-24C>G (NM_001408458.1, NM_001408461.1, NM_001408464.1 and 7 more transcripts); c.4262-24C>G (NM_001407967.1); c.4772-24C>G (NM_001407959.1); c.4886-24C>G (NM_001407931.1, NM_001407932.1, NM_001407928.1 and 4 more transcripts); c.5009-24C>G (NM_001407747.1, NM_001407745.1, NM_001407737.1 and 21 more transcripts); c.4769-24C>G (NM_001407962.1, NM_001407960.1); c.1340-24C>G (NM_001408512.1); c.1463-24C>G (NM_001408510.1); and 72 more.
Identifiers: ClinVar variation 868733 (VCV000868733.3), dbSNP rs1313068638, ClinGen allele CA772173429.
Genomic context (GRCh38, chr17:43,063,397, plus strand): 5'-TTCAGCATTTTTCTTTCTTTAATAGACTGGGTCACCCCTAAAGAGATCATAGAAAAGACA[G>C]GTTACATACAGCAGAAGAACGTGCTCTTTTCACGGAGATAGAGAGGTCAGCGATTCACAA-3'